The following is an entry in ClinVar:

NM_004360.5(CDH1):c.2494G>A (p.Val832Met)

Gene: CDH1 (cadherin 1; plus strand). Cytogenetic location: 16q22.1.
Variant type: single nucleotide variant.
Coding change: c.2494G>A on transcript NM_004360.5 (MANE Select); coding-DNA position 2494, G replaced by A.
Protein change: p.Val832Met; replaces valine 832 with methionine.
Molecular consequence: missense variant.
Genome position (GRCh38, 1-based): chr16:68,833,344, G>A. VCF-style: chr16-68833344-G-A. GRCh37 (hg19) VCF-style: chr16-68867247-G-A.
Other names: p.V832M:GTG>ATG; NM_004360.4(CDH1):c.2494G>A; c.2311G>A, p.Val771Met (NM_001317184.2); c.946G>A, p.Val316Met (NM_001317185.2); c.529G>A, p.Val177Met (NM_001317186.2); short protein forms V832M, V177M, V316M, V771M.
Identifiers: ClinVar variation 12246 (VCV000012246.43), dbSNP rs35572355, ClinGen allele CA157969.

ClinVar aggregate classification (germline): Benign. Review status: reviewed by expert panel (3 of 4 stars). 21 submissions from 21 submitters: Benign (1). 20 of the submissions do not count toward it. Last evaluated 2023-08-10.

Conditions:
Ovarian cancer. Also called: OVARIAN CANCER, SOMATIC. Identifiers: Orphanet 213500, MedGen C1140680, MONDO:0008170, OMIM 167000.
Familial cancer of breast. Also called: Hereditary breast cancer; hereditary breast carcinoma; BREAST CANCER, FAMILIAL. Identifiers: Orphanet 227535, MedGen C0346153, MONDO:0016419, OMIM 114480. Disease mechanism: loss of function.
CDH1-related diffuse gastric and lobular breast cancer syndrome. Also called: CDH1-related diffuse gastric and lobular breast cancer. Identifiers: MedGen CN311521, MONDO:0100488.
CDH1-related disorder. Also called: CDH1-related condition.
Neoplasm of stomach. Also called: Stomach Neoplasms; Neoplasm of the stomach; Gastric neoplasm. Identifiers: MedGen C0038356, MONDO:0021085, HP:0006753. Disease mechanism: gain of function. Inheritance: Somatic mutation.
Hereditary cancer-predisposing syndrome. Also called: Hereditary neoplastic syndrome; Tumor predisposition; Neoplastic Syndromes, Hereditary; Hereditary Cancer Syndrome. Identifiers: Orphanet 140162, MedGen C0027672, MeSH D009386, MONDO:0015356.
Hereditary breast ovarian cancer syndrome. Also called: BRCA1- and BRCA2-Associated Hereditary Breast and Ovarian Cancer; Hereditary breast and/or ovarian cancer syndrome; Hereditary breast and ovarian cancer syndrome (HBOC); Breast and ovarian cancer; Hereditary breast and ovarian cancer syndrome; Hereditary breast and ovarian cancer. Identifiers: Orphanet 145, MedGen C0677776, MeSH D061325, MONDO:0003582. Disease mechanism: loss of function.
Hereditary diffuse gastric adenocarcinoma (HDGC). Also called: DIFFUSE GASTRIC AND LOBULAR BREAST CANCER SYNDROME. Identifiers: Orphanet 26106, MedGen C1708349, MONDO:0007648, OMIM 137215.

Allele frequency attached by ClinVar (database versions not stated): gnomAD 0.00004 and 0.00009; TOPMed 0.00005; 1000 Genomes Project 30x 0.00031; 1000 Genomes Project 0.00040.
gnomAD v4.1: 236 of 1,614,154 alleles (0.015%); highest among the groups gnomAD compares: East Asian, 0.4%; 1 homozygote.

Submissions 1 to 14 of 21:

Clingen Gastric Cancer Variant Curation Expert Panel
Classification: Benign for CDH1-related diffuse gastric and lobular breast cancer syndrome. Last evaluated: 2023-08-10. Review status: reviewed by expert panel. Criteria: ClinGen CDH1 ACMG Specifications V3.1. Collection method: curation. Allele origin: germline. Inheritance: Autosomal dominant inheritance.
Comment: The c.2494G>A (p.Val832Met) variant has an allele frequency of 0.00175 (0.175%, 33/18,868 alleles) in the East Asian subpopulation of the gnomAD cohort (BS1). This variant has been observed in >10 individuals without a diagnosis of diffuse gastric cancer, signet ring tumor or lobular breast cancer and whose family histories do not suggest HDGC (BS2; internal laboratory contributors). In summary, this variant meets criteria to be classified as benign. ACMG/AMP criteria applied, as specified by the CDH1 Variant Curation Expert Panel (Variant Interpretation Guidelines Version 3.1): BS1, BS2.

Labcorp Genetics (formerly Invitae), Labcorp
Classification: Likely benign for Hereditary diffuse gastric adenocarcinoma. Last evaluated: 2026-02-03. Review status: criteria provided, single submitter. Criteria: Invitae Variant Classification Sherloc (09022015). Collection method: clinical testing. Allele origin: germline. Not counted in ClinVar's aggregate classification.

Center for Genomic Medicine, Rigshospitalet, Copenhagen University Hospital
Classification: Benign. Last evaluated: 2025-03-04. Review status: criteria provided, single submitter. Criteria: ACMG Guidelines, 2015. Collection method: clinical testing. Allele origin: germline. Not counted in ClinVar's aggregate classification.

Department of Pathology and Laboratory Medicine, Sinai Health System
Classification: Likely benign for Familial cancer of breast; Ovarian cancer. Last evaluated: 2024-11-11. Review status: criteria provided, single submitter. Criteria: ACMG Guidelines, 2015. Collection method: clinical testing. Allele origin: germline. Affected: yes. Not counted in ClinVar's aggregate classification.

Blueprint Genetics
Classification: Likely benign. Last evaluated: 2024-07-25. Review status: criteria provided, single submitter. Criteria: ACMG Guidelines, 2015. Collection method: clinical testing. Allele origin: germline. Not counted in ClinVar's aggregate classification.

Quest Diagnostics Nichols Institute San Juan Capistrano
Classification: Benign. Last evaluated: 2024-01-24. Review status: criteria provided, single submitter. Criteria: Quest Diagnostics criteria. Collection method: clinical testing. Allele origin: unknown. Not counted in ClinVar's aggregate classification.

Mendelics
Classification: Benign for Hereditary diffuse gastric adenocarcinoma. Last evaluated: 2023-08-22. Review status: criteria provided, single submitter. Criteria: Mendelics Assertion Criteria 2019. Collection method: clinical testing. Allele origin: germline. Not counted in ClinVar's aggregate classification.

European Reference Network on Genetic Tumour Risk Syndromes (ERN-GENTURIS), i3s - Instituto de Investigação e Inovação em Saúde, University of Porto
Classification: Benign for Hereditary diffuse gastric adenocarcinoma. Last evaluated: 2022-08-01. Review status: criteria provided, single submitter. Criteria: Lee et al. (Hum Mutat. 2018). Collection method: clinical testing. Allele origin: germline. Inheritance: Autosomal dominant inheritance. Affected: no. Study: ERN GENTURIS. Not counted in ClinVar's aggregate classification.
Comment: BS1; BS2 (PMID: 30311375)

Sema4
Classification: Likely benign for Hereditary cancer-predisposing syndrome. Last evaluated: 2021-03-11. Review status: criteria provided, single submitter. Criteria: Sema4 Curation Guidelines. Collection method: curation. Allele origin: germline. Not counted in ClinVar's aggregate classification.

Women's Health and Genetics/Laboratory Corporation of America, LabCorp
Classification: Benign. Last evaluated: 2020-12-18. Review status: criteria provided, single submitter. Criteria: LabCorp Variant Classification Summary - May 2015. Collection method: clinical testing. Allele origin: germline. Not counted in ClinVar's aggregate classification.
Comment: Variant summary: CDH1 c.2494G>A (p.Val832Met) results in a conservative amino acid change located in the Cadherin, cytoplasmic domain of the encoded protein sequence. Four of five in-silico tools predict a damaging effect of the variant on protein function. The variant allele was found at a frequency of 0.00022 in 253888 control chromosomes, predominantly at a frequency of 0.0017 within the East Asian subpopulation in the gnomAD database. The observed variant frequency within East Asian control individuals in the gnomAD database is approximately 60 fold of the estimated maximal expected allele frequency for a pathogenic variant in CDH1 causing Hereditary Diffuse Gastric Cancer phenotype (2.8e-05), strongly suggesting that the variant is a benign polymorphism found primarily in populations of East Asian origin. c.2494G>A, has been reported in the literature in individuals affected with Hereditary Diffuse Gastric Cancer (Yabuta_2002, Kim_2017), Breast Cancer (Schrader_2011, Rummel_2017, Siraj_2017), Lynch Syndrome (Yurgelun_2015), and Pancreatic Cancer (Shindo_2017, Ohmoto_2015). A publication, Yabuta_2002, reports the variant to segregate with disease in a HDGC family. Furthermore, a tumor obtained from a patient with this variant harbored a CDH1 promoter hypermethylation as a second hit leading to somatic loss of heterozygosity (Oliveira_2009). These report(s) do not provide unequivocal conclusions about association of the variant with Hereditary Diffuse Gastric Cancer. At-least two co-occurrences with other pathogenic variant(s) have been observed (Siraj_2017-FANCI c.2737C>T, p.Q913X; our laboratory-BRCA2 c.5576_5579delTTAA, p.Ile1859fs), providing supporting evidence for a benign role. Multiple functional studies showed no significant effect of this variant on cell mobility and cell invasion (Suriano_2003), interaction with alpha/beta catenin (Bajpai_2008), cell surface expression, EGFR signaling, and beta catenin binding (Mateaus_2009, Yabuta_2002, Curtis_2007). In addition, Clinical Genome Resource (ClinGen) variant curation expert panel (VCEP) recently classified this variant as benign (Lee_2018). Ten clinical diagnostic laboratories and one expert panel (ClinGen CDH1 Variant Curation Expert Panel) have submitted clinical-significance assessments for this variant to ClinVar after 2014 without evidence for independent evaluation. Multiple submitters reported the variant with conflicting assessments (likely benign, n=3, benign, n=1). Several submitters cite overlapping evidence utilized in the context of this evaluation. Based on the evidence outlined above, the variant was classified as benign.

GeneDx
Classification: Likely benign. Last evaluated: 2019-09-13. Review status: criteria provided, single submitter. Criteria: GeneDx Variant Classification Process June 2021. Collection method: clinical testing. Allele origin: germline. Affected: yes. Not counted in ClinVar's aggregate classification.
Comment: This variant is associated with the following publications: (PMID: 12216071, 26759166, 28004449, 26692440, 20373070, 29050249, 16924464, 19268661, 22850631, 24055113, 24728327, 17668349, 12944922, 17261850, 16600987, 25388006, 25856671, 25637381, 17545690, 20233471, 26150395, 20921021, 16787116, 28503720, 14500541, 19269290, 26049741, 25980754, 22470475, 19017792, 29231860, 28975465, 28767289, 29522266, 29929997, 29752822, 16112667, 21989054, 19247957, 31159747, 31892987, 32426482)

Cancer Genomics Group, Japanese Foundation For Cancer Research
Classification: Uncertain significance for Hereditary breast and ovarian cancer syndrome. Last evaluated: 2019-05-01. Review status: criteria provided, single submitter. Criteria: ACMG Guidelines, 2015. Collection method: research. Allele origin: germline. Affected: yes. Not counted in ClinVar's aggregate classification.

Ambry Genetics
Classification: Likely benign for Hereditary cancer-predisposing syndrome. Last evaluated: 2019-01-16. Review status: criteria provided, single submitter. Criteria: Ambry Variant Classification Scheme 2023. Collection method: clinical testing. Allele origin: germline. Not counted in ClinVar's aggregate classification.

Institute of Human Genetics, University of Leipzig Medical Center
Classification: Uncertain significance for Hereditary diffuse gastric adenocarcinoma. Last evaluated: 2018-08-07. Review status: criteria provided, single submitter. Criteria: ACMG Guidelines, 2015. Collection method: clinical testing. Allele origin: germline. Affected: yes. Observed: 1 variant allele. Not counted in ClinVar's aggregate classification.